The following is an entry in ClinVar:

NC_000023.10:g.(?_31462578)_(31515081_?)del

Gene: DMD (dystrophin; minus strand). Cytogenetic location: Xp21.2-21.1.
Variant type: Deletion.
Identifiers: ClinVar variation 1074262 (VCV001074262.9).

ClinVar aggregate classification (germline): Pathogenic (1 of 4 stars; one submission).

Conditions:
Duchenne muscular dystrophy (DMD). Also called: MUSCULAR DYSTROPHY, PSEUDOHYPERTROPHIC PROGRESSIVE, DUCHENNE TYPE; Duchenne Muscular Dystrophy (DMD). Identifiers: Orphanet 98896, MedGen C0013264, MONDO:0010679, OMIM 310200.

Submission:

Labcorp Genetics (formerly Invitae), Labcorp
Classification: Pathogenic for Duchenne muscular dystrophy. Last evaluated: 2022-07-19. Review status: criteria provided, single submitter. Criteria: Invitae Variant Classification Sherloc (09022015). Collection method: clinical testing. Allele origin: germline.
Comment: For these reasons, this variant has been classified as Pathogenic. This variant has not been reported in the literature in individuals affected with DMD-related conditions. This variant is a gross deletion of the genomic region encompassing exon(s) 57-60 of the DMD gene. This deletion is out-of-frame, and is expected to create a premature termination codon and result in an absent or disrupted protein product. Loss-of-function variants in DMD are known to be pathogenic (PMID: 16770791, 25007885).

Literature cited by the submitters: PubMed 16770791; PubMed 25007885.